The following is an entry in ClinVar:

NM_005228.5(EGFR):c.3415C>T (p.Leu1139Phe)

Gene: EGFR (epidermal growth factor receptor; plus strand). Cytogenetic location: 7p11.2.
Variant type: single nucleotide variant.
Coding change: c.3415C>T on transcript NM_005228.5 (MANE Select); coding-DNA position 3415, C replaced by T.
Protein change: p.Leu1139Phe; replaces leucine 1139 with phenylalanine.
Molecular consequence: missense variant.
Genome position (GRCh38, 1-based): chr7:55,205,399, C>T. VCF-style: chr7-55205399-C-T. GRCh37 (hg19) VCF-style: chr7-55273092-C-T.
Other names: c.3280C>T, p.Leu1094Phe (NM_001346899.2); c.3256C>T, p.Leu1086Phe (NM_001346900.2); c.2614C>T, p.Leu872Phe (NM_001346941.2); short protein forms L872F, L1086F, L1094F, L1139F.
Identifiers: ClinVar variation 3013427 (VCV003013427.4), dbSNP rs1473630143, ClinGen allele CA367584568.

ClinVar aggregate classification (germline): Uncertain significance. Review status: criteria provided, multiple submitters, no conflicts (2 of 4 stars). 2 submissions from 2 submitters: Uncertain significance (2). Last evaluated 2026-07-21.

Conditions:
EGFR-related lung cancer (EGFR). Identifiers: MedGen CN130014.
Hereditary cancer-predisposing syndrome. Also called: Hereditary Cancer Syndrome; Hereditary neoplastic syndrome; Neoplastic Syndromes, Hereditary; Tumor predisposition. Identifiers: Orphanet 140162, MedGen C0027672, MeSH D009386, MONDO:0015356.

Allele frequency attached by ClinVar (database versions not stated): gnomAD exomes below 0.00001.
gnomAD v4.1: 2 of 1,614,156 alleles (0.00012%); highest among the groups gnomAD compares: Admixed American, 0.0033%; no homozygotes.

Submissions (2):

Ambry Genetics
Classification: Uncertain significance for Hereditary cancer-predisposing syndrome. Last evaluated: 2026-07-21. Review status: criteria provided, single submitter. Criteria: Ambry Variant Classification Scheme 2023. Collection method: clinical testing. Allele origin: germline.
Comment: The p.L1139F variant (also known as c.3415C>T), located in coding exon 28 of the EGFR gene, results from a C to T substitution at nucleotide position 3415. The leucine at codon 1139 is replaced by phenylalanine, an amino acid with highly similar properties. This amino acid position is highly conserved in available vertebrate species. In addition, the in silico prediction for this alteration is inconclusive. Based on the available evidence, the clinical significance of this variant remains unclear.

Labcorp Genetics (formerly Invitae), Labcorp
Classification: Uncertain significance for EGFR-related lung cancer. Last evaluated: 2025-05-13. Review status: criteria provided, single submitter. Criteria: Invitae Variant Classification Sherloc (09022015). Collection method: clinical testing. Allele origin: germline.
Comment: This sequence change replaces leucine, which is neutral and non-polar, with phenylalanine, which is neutral and non-polar, at codon 1139 of the EGFR protein (p.Leu1139Phe). This variant is present in population databases (no rsID available, gnomAD 0.003%). This variant has not been reported in the literature in individuals affected with EGFR-related conditions. ClinVar contains an entry for this variant (Variation ID: 3013427). An algorithm developed to predict the effect of missense changes on protein structure and function (PolyPhen-2) suggests that this variant is likely to be disruptive. In summary, the available evidence is currently insufficient to determine the role of this variant in disease. Therefore, it has been classified as a Variant of Uncertain Significance.